The following is an entry in ClinVar:

ClinVar aggregate classification (germline): Uncertain significance (1 of 4 stars; one submission).

gnomAD v4.1: 16 of 1,613,638 alleles (0.00099%); highest among the groups gnomAD compares: East Asian, 0.0045%; no homozygotes.

Submission:

Labcorp Genetics (formerly Invitae), Labcorp
Classification: Uncertain significance. Last evaluated: 2025-10-08. Review status: criteria provided, single submitter. Criteria: Invitae Variant Classification Sherloc (09022015). Collection method: clinical testing. Allele origin: germline.
Comment: This sequence change replaces arginine, which is basic and polar, with histidine, which is basic and polar, at codon 442 of the MAP3K8 protein (p.Arg442His). This variant is present in population databases (rs532844555, gnomAD 0.01%). This variant has not been reported in the literature in individuals affected with MAP3K8-related conditions. An algorithm developed to predict the effect of missense changes on protein structure and function (PolyPhen-2) suggests that this variant is likely to be disruptive. Experimental studies have shown that this missense change affects MAP3K8 function (PMID: 39178114). In summary, the available evidence is currently insufficient to determine the role of this variant in disease. Therefore, it has been classified as a Variant of Uncertain Significance.

Literature cited by the submitters: PubMed 39178114.

NM_005204.4(MAP3K8):c.1325G>A (p.Arg442His)

Gene: MAP3K8 (mitogen-activated protein kinase kinase kinase 8; plus strand). Cytogenetic location: 10p11.23.
Variant type: single nucleotide variant.
Coding change: c.1325G>A on transcript NM_005204.4 (MANE Select); coding-DNA position 1325, G replaced by A.
Protein change: p.Arg442His; replaces arginine 442 with histidine.
Molecular consequence: missense variant.
Genome position (GRCh38, 1-based): chr10:30,460,757, G>A. VCF-style: chr10-30460757-G-A. GRCh37 (hg19) VCF-style: chr10-30749686-G-A.
Other names: c.1325G>A, p.Arg442His (NM_001244134.1, NM_001320961.2); short protein forms R442H.
Identifiers: ClinVar variation 4691391 (VCV004691391.1).
Genomic context (GRCh38, chr10:30,460,757, plus strand): 5'-CCTTTTCAGATTCTTCGTGCACAGGAAGCACCGAGGAATCTGAGATGCTCAAGAGGCAAC[G>A]CTCTCTCTACATCGACCTCGGCGCTCTGGCTGGCTACTTCAATCTTGTTCGGGGACCACC-3'
Protein context (NP_005195.2, residues 432-452): TEESEMLKRQ[Arg442His]SLYIDLGALA